The following is an entry in ClinVar:

ClinVar aggregate classification (germline): Uncertain significance (1 of 4 stars; one submission).

Conditions:
TBL1XR1-related disorder. Also called: TBL1XR1-related condition; TBL1XR1-related disorders. Identifiers: MedGen CN382633, MONDO:1060313.

Submission:

3billion
Classification: Uncertain significance for TBL1XR1-related disorder. Last evaluated: 2025-05-27. Review status: criteria provided, single submitter. Criteria: ACMG Guidelines, 2015. Collection method: clinical testing. Allele origin: germline. Affected: yes.
Comment: The variant is not observed in the gnomAD v4.1.0 dataset. Predicted Consequence/Location: Missense variant. Missense changes are a common disease-causing mechanism. In silico tool predictions suggest damaging effect of the variant on gene or gene product [3Cnet: 0.99 (> 0.75, sensitivity 0.96 and precision 0.92)]. The variant has been reported as of uncertain significance (PMID: 33057194). Different missense changes at the same codon have been reported as of uncertain significance (ClinVar ID: VCV001403806). Therefore, this variant is classified as VUS according to the recommendation of ACMG/AMP guideline.

NM_024665.7(TBL1XR1):c.962C>G (p.Thr321Ser)

Genes: TBL1XR1 (TBL1X/Y related 1; minus strand), TBL1XR1-AS1 (TBL1XR1 antisense RNA 1; plus strand), LOC126806878 (CDK7 strongly-dependent group 2 enhancer GRCh37_chr3:176755168-176756367; plus strand). Cytogenetic location: 3q26.32.
Variant type: single nucleotide variant.
Coding change: c.962C>G on transcript NM_024665.7 (MANE Select); coding-DNA position 962, C replaced by G.
Protein change: p.Thr321Ser; replaces threonine 321 with serine.
Molecular consequence: missense variant. On other transcripts: non-coding transcript variant (1).
Genome position (GRCh38, 1-based): chr3:177,038,398, G>C on the plus strand (C>G on the coding strand, the complement: TBL1XR1 is on the minus strand). VCF-style: chr3-177038398-G-C. GRCh37 (hg19) VCF-style: chr3-176756186-G-C.
Other names: c.962C>G, p.Thr321Ser (NM_001321193.3, NM_001321194.3, NM_001374327.1 and 2 more transcripts); c.701C>G, p.Thr234Ser (NM_001321195.3, NM_001374330.1); short protein forms T234S, T321S.
Identifiers: ClinVar variation 4856204 (VCV004856204.1).